The following is an entry in ClinVar:

ClinVar aggregate classification (germline): Likely benign (1 of 4 stars; one submission).

gnomAD v4.1: 2 of 643,150 alleles (0.00031%); highest among the groups gnomAD compares: East Asian, 0.0029%; no homozygotes.

Submission:

CeGaT Center for Human Genetics Tuebingen
Classification: Likely benign. Last evaluated: 2026-01-01. Review status: criteria provided, single submitter. Criteria: CeGaT Center For Human Genetics Tuebingen Variant Classification Criteria Version 2. Collection method: clinical testing. Allele origin: germline. Affected: yes. Observed: 1 variant allele.
Comment: DSG2: BP4, BP7

NM_001943.5(DSG2):c.690+170T>C

Gene: DSG2 (desmoglein 2; plus strand). Cytogenetic location: 18q12.1.
Variant type: single nucleotide variant.
Coding change: c.690+170T>C on transcript NM_001943.5 (MANE Select); 170 bases into the intron after coding-DNA position 690, T replaced by C.
Molecular consequence: intron variant.
Genome position (GRCh38, 1-based): chr18:31,522,419, T>C. VCF-style: chr18-31522419-T-C. GRCh37 (hg19) VCF-style: chr18-29102382-T-C.
Identifiers: ClinVar variation 4822968 (VCV004822968.4).